The following is an entry in ClinVar:

NM_001354604.2(MITF):c.653C>T (p.Ala218Val)

Gene: MITF (melanocyte inducing transcription factor; plus strand). Cytogenetic location: 3p13.
Variant type: single nucleotide variant.
Coding change: c.653C>T on transcript NM_001354604.2 (MANE Select); coding-DNA position 653, C replaced by T.
Protein change: p.Ala218Val; replaces alanine 218 with valine.
Molecular consequence: missense variant.
Genome position (GRCh38, 1-based): chr3:69,939,168, C>T. VCF-style: chr3-69939168-C-T. GRCh37 (hg19) VCF-style: chr3-69988319-C-T.
Other names: c.332C>T, p.Ala111Val (NM_000248.4, NM_198158.3); c.497C>T, p.Ala166Val (NM_001184967.2, NM_001354608.2); c.650C>T, p.Ala217Val (NM_001354605.2, NM_001354606.2, NM_006722.3); c.602C>T, p.Ala201Val (NM_001354607.2); c.653C>T, p.Ala218Val (NM_198159.3); c.605C>T, p.Ala202Val (NM_198177.3); c.164C>T, p.Ala55Val (NM_198178.3); short protein forms A111V, A55V, A166V, A218V, A202V, A217V, A201V.
Identifiers: ClinVar variation 2925351 (VCV002925351.5), dbSNP rs182533927, ClinGen allele CA2490411.
Genomic context (GRCh38, chr3:69,939,168, plus strand): 5'-AGTTTGAAGAGCAAAACAGGGCAGAGAGCGAGTGCCCAGGCATGAACACACATTCACGAG[C>T]GTCCTGTATGCAGGTACTGAATGACTTGGCAGCCTGAGGATGAACACTTTGTAATGAGAA-3'
Protein context (NP_001341533.1, residues 208-228): ECPGMNTHSR[Ala218Val]SCMQMDDVID

ClinVar aggregate classification (germline): Uncertain significance. Review status: criteria provided, multiple submitters, no conflicts (2 of 4 stars). 3 submissions from 3 submitters: Uncertain significance (3). Last evaluated 2026-01-30.

Conditions:
Tietz syndrome (TADS). Also called: ALBINISM-DEAFNESS OF TIETZ; HYPOPIGMENTATION/DEAFNESS OF TIETZ; TIETZ ALBINISM-DEAFNESS SYNDROME. Identifiers: Orphanet 42665, MedGen C0391816, MONDO:0007077, OMIM 103500.
Waardenburg syndrome type 2A (WS2A). Also called: WAARDENBURG SYNDROME WITHOUT DYSTOPIA CANTHORUM. Identifiers: Orphanet 3440, MedGen C1860339, MONDO:0008671, OMIM 193510.
Melanoma, cutaneous malignant, susceptibility to, 8. Also called: MELANOMA AND RENAL CELL CARCINOMA, SUSCEPTIBILITY TO; Cutaneous malignant melanoma 8. Identifiers: Orphanet 293822, MedGen C3152204, MONDO:0013759, OMIM 614456.

Allele frequency attached by ClinVar (database versions not stated): TOPMed 0.00002; ExAC 0.00003; gnomAD exomes 0.00003; 1000 Genomes Project 30x 0.00016.
gnomAD v4.1: 45 of 1,614,006 alleles (0.0028%); highest among the groups gnomAD compares: East Asian, 0.018%; no homozygotes.

Submissions (3):

Labcorp Genetics (formerly Invitae), Labcorp
Classification: Uncertain significance for Melanoma, cutaneous malignant, susceptibility to, 8; Waardenburg syndrome type 2A; Tietz syndrome. Last evaluated: 2026-01-30. Review status: criteria provided, single submitter. Criteria: Invitae Variant Classification Sherloc (09022015). Collection method: clinical testing. Allele origin: germline.
Comment: This sequence change replaces alanine, which is neutral and non-polar, with valine, which is neutral and non-polar, at codon 111 of the MITF protein (p.Ala111Val). The frequency data for this variant in the population databases is considered unreliable, as metrics indicate poor data quality at this position in the gnomAD database. This missense change has been observed in individuals with clinical features of MITF-related conditions (PMID: 24194866, 31427586). ClinVar contains an entry for this variant (Variation ID: 2925351). An algorithm developed to predict the effect of missense changes on protein structure and function (PolyPhen-2) suggests that this variant is likely to be tolerated. In summary, the available evidence is currently insufficient to determine the role of this variant in disease. Therefore, it has been classified as a Variant of Uncertain Significance.

Women's Health and Genetics/Laboratory Corporation of America, LabCorp
Classification: Uncertain significance. Last evaluated: 2025-10-03. Review status: criteria provided, single submitter. Criteria: LabCorp Variant Classification Summary - May 2015. Collection method: clinical testing. Allele origin: germline.
Comment: Variant summary: MITF c.332C>T (p.Ala111Val) results in a non-conservative amino acid change in the encoded protein sequence. Algorithms developed to predict the effect of missense changes on protein structure and function are either unavailable or do not agree on the potential impact of this missense change. The variant allele was found at a frequency of 2.4e-05 in 251070 control chromosomes (gnomAD). The available data on variant occurrences in the general population are insufficient to allow any conclusion about variant significance. c.332C>T has been observed in individuals affected with Waardenburg Syndrome 2 (Chen_2010, Yang_2013, Ideura_2019). These reports do not provide unequivocal conclusions about association of the variant with Waardenburg Syndrome 2. To our knowledge, no experimental evidence demonstrating an impact on protein function has been reported. The following publications have been ascertained in the context of this evaluation (PMID: 20478267, 31427586, 24194866). ClinVar contains an entry for this variant (Variation ID: 2925351). Based on the evidence outlined above, the variant was classified as uncertain significance.

GeneDx
Classification: Uncertain significance. Last evaluated: 2025-02-20. Review status: criteria provided, single submitter. Criteria: GeneDx Variant Classification Process June 2021. Collection method: clinical testing. Allele origin: germline. Affected: yes.
Comment: Observed in individuals with clinical features of Waardenburg syndrome in published literature (PMID: 31427586, 24194866); In silico analysis indicates that this missense variant does not alter protein structure/function; This variant is associated with the following publications: (PMID: 20478267, 24194866, 29115496, 33045145, 31427586)

Literature cited by the submitters: PubMed 24194866 (cited by Labcorp Genetics (formerly Invitae), Labcorp and Women's Health and Genetics/Laboratory Corporation of America, LabCorp); PubMed 31427586 (cited by Labcorp Genetics (formerly Invitae), Labcorp and Women's Health and Genetics/Laboratory Corporation of America, LabCorp); PubMed 20478267 (cited by Women's Health and Genetics/Laboratory Corporation of America, LabCorp).